The following is an entry in ClinVar:

ClinVar aggregate classification (germline): Uncertain significance (1 of 4 stars; one submission).

Conditions:
NBEA-related disorder. Also called: NBEA-related condition.

Allele frequency attached by ClinVar (database versions not stated): TOPMed below 0.00001.

Submission:

PreventionGenetics, part of Exact Sciences
Classification: Uncertain significance for NBEA-related condition. Last evaluated: 2023-06-01. Review status: criteria provided, single submitter. Criteria: ACMG Guidelines, 2015. Collection method: clinical testing. Allele origin: germline.
Comment: The NBEA c.8628C>A variant is predicted to result in the amino acid substitution p.Asn2876Lys. To our knowledge, this variant has not been reported in the literature or in a large population database, indicating this variant is rare. At this time, the clinical significance of this variant is uncertain due to the absence of conclusive functional and genetic evidence.

NM_001385012.1(NBEA):c.8691C>A (p.Asn2897Lys)

Gene: NBEA (neurobeachin; plus strand). Cytogenetic location: 13q13.3.
Variant type: single nucleotide variant.
Coding change: c.8691C>A on transcript NM_001385012.1 (MANE Select); coding-DNA position 8691, C replaced by A.
Protein change: p.Asn2897Lys; replaces asparagine 2897 with lysine.
Molecular consequence: missense variant.
Genome position (GRCh38, 1-based): chr13:35,668,397, C>A. VCF-style: chr13-35668397-C-A. GRCh37 (hg19) VCF-style: chr13-36242534-C-A.
Other names: c.2007C>A, p.Asn669Lys (NM_001204197.3); c.8682C>A, p.Asn2894Lys (NM_001379245.1); c.8628C>A, p.Asn2876Lys (NM_015678.5); short protein forms N2876K, N2894K, N2897K, N669K.
Identifiers: ClinVar variation 2628660 (VCV002628660.1), dbSNP rs2085456520, ClinGen allele CA387843176.